The following is an entry in ClinVar:

ClinVar aggregate classification (germline): Likely benign. Review status: criteria provided, multiple submitters, no conflicts (2 of 4 stars). 3 submissions from 3 submitters: Likely benign (3). Last evaluated 2025-12-15.

Conditions:
SLC24A1-related disorder. Also called: SLC24A1-related condition.

Allele frequency attached by ClinVar (database versions not stated): gnomAD exomes 0.00006 and 0.00017; ExAC 0.00014; ESP Exome Variant Server 0.00047; gnomAD 0.00047; 1000 Genomes Project 0.00080; 1000 Genomes Project 30x 0.00094.
gnomAD v4.1: 162 of 1,614,052 alleles (0.01%); highest among the groups gnomAD compares: African/African-American, 0.19%; no homozygotes.

Submissions (3):

Labcorp Genetics (formerly Invitae), Labcorp
Classification: Likely benign. Last evaluated: 2025-12-15. Review status: criteria provided, single submitter. Criteria: Invitae Variant Classification Sherloc (09022015). Collection method: clinical testing. Allele origin: germline.

PreventionGenetics, part of Exact Sciences
Classification: Likely benign for SLC24A1-related condition. Last evaluated: 2024-10-18. Review status: criteria provided, single submitter. Criteria: ACMG Guidelines, 2015. Collection method: clinical testing. Allele origin: germline.
Comment: This variant is classified as likely benign based on ACMG/AMP sequence variant interpretation guidelines (Richards et al. 2015 PMID: 25741868, with internal and published modifications).

Blueprint Genetics
Classification: Likely benign. Last evaluated: 2024-02-09. Review status: criteria provided, single submitter. Criteria: ACMG Guidelines, 2015. Collection method: clinical testing. Allele origin: germline.

NM_004727.3(SLC24A1):c.1462C>T (p.Leu488=)

Gene: SLC24A1 (solute carrier family 24 member 1; plus strand). Cytogenetic location: 15q22.31.
Variant type: single nucleotide variant.
Coding change: c.1462C>T on transcript NM_004727.3 (MANE Select); coding-DNA position 1462, C replaced by T.
Protein change: p.Leu488=; no amino-acid change (leucine 488 retained).
Molecular consequence: synonymous variant.
Genome position (GRCh38, 1-based): chr15:65,625,542, C>T. VCF-style: chr15-65625542-C-T. GRCh37 (hg19) VCF-style: chr15-65917880-C-T.
Other names: c.1462C>T (NM_004727.2); c.1462C>T, p.Leu488= (NM_001301031.1, NM_001301032.1, NM_001301033.2).
Identifiers: ClinVar variation 1143053 (VCV001143053.11), dbSNP rs74021152, ClinGen allele CA7619915.